The following is an entry in ClinVar:

ClinVar aggregate classification (germline): Pathogenic/Likely pathogenic. Review status: criteria provided, multiple submitters, no conflicts (2 of 4 stars). 8 submissions from 8 submitters: Pathogenic (3); Likely pathogenic (5). Last evaluated 2026-01-15.

Conditions:
LOXHD1-related disorder. Also called: LOXHD1-related condition.
Rare genetic deafness. Identifiers: Orphanet 96210, MedGen C5680250.
Autosomal recessive nonsyndromic hearing loss 77. Identifiers: Orphanet 90636, MedGen C2746083, MONDO:0013119, OMIM 613079.
Hearing impairment. Also called: Impaired Hearing. Identifiers: MedGen C1384666, MONDO:0005365, HP:0000365.

Allele frequency attached by ClinVar (database versions not stated): gnomAD exomes 0.00003; ExAC 0.00005; TOPMed 0.00006.
gnomAD v4.1: 69 of 1,530,914 alleles (0.0045%); highest among the groups gnomAD compares: Non-Finnish European, 0.0056%; no homozygotes.

Submissions (8):

Labcorp Genetics (formerly Invitae), Labcorp
Classification: Pathogenic. Last evaluated: 2026-01-15. Review status: criteria provided, single submitter. Criteria: Invitae Variant Classification Sherloc (09022015). Collection method: clinical testing. Allele origin: germline.
Comment: This sequence change creates a premature translational stop signal (p.Arg833*) in the LOXHD1 gene. It is expected to result in an absent or disrupted protein product. Loss-of-function variants in LOXHD1 are known to be pathogenic (PMID: 19732867, 21465660, 25792669). This variant is present in population databases (rs188119157, gnomAD 0.01%). This variant has not been reported in the literature in individuals affected with LOXHD1-related conditions. ClinVar contains an entry for this variant (Variation ID: 47930). For these reasons, this variant has been classified as Pathogenic.

Natera, Inc.
Classification: Likely pathogenic for Autosomal recessive deafness type 77. Last evaluated: 2025-08-06. Review status: criteria provided, single submitter. Criteria: Natera Variant Classification Schema (03/2026). Collection method: clinical testing. Allele origin: germline.
Comment: The c.2497C>T variant in LOXHD1 is a nonsense variant predicted to introduce a stop codon at amino acid 833. This variant is expected to result in nonsense mediated decay, truncation, or a dysfunctional protein product. This variant is rare in the general population with a frequency below the threshold expected for the associated phenotype(s). Given the available evidence, this variant is classified as Likely Pathogenic.

Fulgent Genetics
Classification: Pathogenic for Autosomal recessive nonsyndromic hearing loss 77. Last evaluated: 2024-05-22. Review status: criteria provided, single submitter. Criteria: ACMG Guidelines, 2015. Collection method: clinical testing. Allele origin: germline.

Blueprint Genetics
Classification: Likely pathogenic for LOXHD1-related disorders. Last evaluated: 2023-09-08. Review status: criteria provided, single submitter. Criteria: ACMG Guidelines, 2015. Collection method: clinical testing. Allele origin: germline. Affected: yes. Observed: 4 variant alleles.

Dasa
Classification: Pathogenic for Autosomal recessive nonsyndromic hearing loss 77. Last evaluated: 2022-11-03. Review status: criteria provided, single submitter. Criteria: ACMG Guidelines, 2015. Collection method: clinical testing. Allele origin: germline. Affected: yes. Observed: 1 variant allele.
Comment: The c.2497C>T;p.(Arg833*) variant creates a premature translational stop signal in the LOXHD1 gene. It is expected to result in an absent or disrupted protein product - PVS1. ClinVar contains an entry for this variant (ClinVar ID: 47930) - PS4_supporting. The variant is present at low allele frequencies population databases (rs188119157 – gnomAD 0.0002529%; ABraOM no frequency) - PM2_supporting. In summary, the currently available evidence indicates that the variant is pathogenic.

Department of Otolaryngology – Head & Neck Surgery, Cochlear Implant Center
Classification: Likely pathogenic for Hearing impairment. Last evaluated: 2021-04-12. Review status: criteria provided, single submitter. Criteria: ClinGen HL ACMG Specifications v1. Collection method: clinical testing. Allele origin: germline. Affected: yes.
Comment: PVS1_Strong, PM2_Moderate

Laboratory for Molecular Medicine, Mass General Brigham Personalized Medicine
Classification: Likely pathogenic for Rare genetic deafness. Last evaluated: 2019-05-30. Review status: criteria provided, single submitter. Criteria: LMM Criteria. Collection method: clinical testing. Allele origin: germline. Inheritance: Autosomal recessive inheritance. Observed: 2 variant alleles.
Comment: It has also been identified in 0.05% (3/60924) of European chromosomes by gnomAD. This nonsense variant leads to a premature termination codon at position 833, which is predicted to lead to a truncated or absent protein. Loss of function of the LOXHD1 gene is strongly associated wish autosomal recessive hearing loss. In summary, although additional studies are required to fully establish its clinical significance, this variant meets criteria to be classified as likely pathogenic for autosomal recessive nonsyndromic hearing loss. ACMG/AMP Criteria applied: PVS1, PM2.

CeGaT Center for Human Genetics Tuebingen
Classification: Likely pathogenic. Last evaluated: 2017-03-31. Review status: criteria provided, single submitter. Criteria: Praxis fuer Humangenetik Tuebingen - Variant Classification Criteria. Collection method: clinical testing. Allele origin: germline. Affected: yes. Observed: 1 variant allele.

Literature cited by the submitters: PubMed 19732867 (cited by Labcorp Genetics (formerly Invitae), Labcorp and Laboratory for Molecular Medicine, Mass General Brigham Personalized Medicine); PubMed 21465660 (cited by Labcorp Genetics (formerly Invitae), Labcorp and Laboratory for Molecular Medicine, Mass General Brigham Personalized Medicine); PubMed 25792669 (cited by Labcorp Genetics (formerly Invitae), Labcorp).

NM_001384474.1(LOXHD1):c.2497C>T (p.Arg833Ter)

Gene: LOXHD1 (lipoxygenase homology PLAT domains 1; minus strand). Cytogenetic location: 18q21.1.
Variant type: single nucleotide variant.
Coding change: c.2497C>T on transcript NM_001384474.1 (MANE Select); coding-DNA position 2497, C replaced by T.
Protein change: p.Arg833Ter; replaces arginine 833 with a stop codon.
Molecular consequence: nonsense.
Genome position (GRCh38, 1-based): chr18:46,563,166, G>A on the plus strand (C>T on the coding strand, the complement: LOXHD1 is on the minus strand). VCF-style: chr18-46563166-G-A. GRCh37 (hg19) VCF-style: chr18-44143129-G-A.
Other names: c.2497C>T, p.Arg833Ter (NM_144612.7); short protein forms R833*.
Identifiers: ClinVar variation 47930 (VCV000047930.26), dbSNP rs188119157, ClinGen allele CA261931.